The following is an entry in ClinVar:

ClinVar aggregate classification (germline): Conflicting classifications of pathogenicity. Review status: criteria provided, conflicting classifications (1 of 4 stars). 2 submissions from 2 submitters: Uncertain significance (1); Likely benign (1). Last evaluated 2025-04-22.

Conditions:
Cardiomyopathy (CMYO). Also called: Cardiomyopathies. Identifiers: Orphanet 167848, MedGen C0878544, MONDO:0004994, HP:0001638. Inheritance: Various modes of inheritance.

Allele frequency attached by ClinVar (database versions not stated): gnomAD exomes below 0.00001 and 0.00001; ExAC 0.00001; gnomAD 0.00001; TOPMed 0.00002.
gnomAD v4.1: 13 of 1,613,128 alleles (0.00081%); highest among the groups gnomAD compares: African/African-American, 0.0013%; no homozygotes.

Submissions (2):

GeneDx
Classification: Uncertain significance. Last evaluated: 2025-04-22. Review status: criteria provided, single submitter. Criteria: GeneDx Variant Classification Process June 2021. Collection method: clinical testing. Allele origin: germline. Affected: yes.
Comment: Not observed at significant frequency in large population cohorts (gnomAD); In silico analysis indicates that this missense variant does not alter protein structure/function; In silico analysis suggests this variant may impact gene splicing. In the absence of RNA/functional studies, the actual effect of this sequence change is unknown.; Has not been previously published as pathogenic or benign to our knowledge; Reported using an alternate transcript of the gene

Color Diagnostics, LLC DBA Color Health
Classification: Likely benign for Cardiomyopathy. Last evaluated: 2018-11-23. Review status: criteria provided, single submitter. Criteria: ACMG Guidelines, 2015. Collection method: clinical testing. Allele origin: germline.

NM_024422.6(DSC2):c.2509-116A>G

Gene: DSC2 (desmocollin 2; minus strand). Cytogenetic location: 18q12.1.
Variant type: single nucleotide variant.
Coding change: c.2509-116A>G on transcript NM_024422.6 (MANE Select); 116 bases into the intron before coding-DNA position 2509, A replaced by G.
Molecular consequence: intron variant. On other transcripts: missense variant (1).
Genome position (GRCh38, 1-based): chr18:31,068,328, T>C on the plus strand (A>G on the coding strand, the complement: DSC2 is on the minus strand). VCF-style: chr18-31068328-T-C. GRCh37 (hg19) VCF-style: chr18-28648294-T-C.
Other names: c.2525A>G, p.His842Arg (NM_004949.5); short protein forms H842R.
Identifiers: ClinVar variation 918631 (VCV000918631.4), dbSNP rs746058773, ClinGen allele CA037464.